The following is an entry in ClinVar:

NM_001036.6(RYR3):c.354+4A>G

Gene: RYR3 (ryanodine receptor 3; plus strand). Cytogenetic location: 15q14.
Variant type: single nucleotide variant.
Coding change: c.354+4A>G on transcript NM_001036.6 (MANE Select); 4 bases into the intron after coding-DNA position 354, A replaced by G.
Molecular consequence: intron variant.
Genome position (GRCh38, 1-based): chr15:33,530,670, A>G. VCF-style: chr15-33530670-A-G. GRCh37 (hg19) VCF-style: chr15-33822871-A-G.
Other names: c.354+4A>G (NM_001243996.4).
Identifiers: ClinVar variation 1053571 (VCV001053571.7), dbSNP rs2141046682, ClinGen allele CA2499222868.

ClinVar aggregate classification (germline): Uncertain significance (1 of 4 stars; one submission).

Conditions:
Epileptic encephalopathy. Identifiers: MedGen C0543888, HP:0200134.

Submission:

Labcorp Genetics (formerly Invitae), Labcorp
Classification: Uncertain significance for Epileptic encephalopathy. Last evaluated: 2020-08-06. Review status: criteria provided, single submitter. Criteria: Invitae Variant Classification Sherloc (09022015). Collection method: clinical testing. Allele origin: germline.
Comment: In summary, the available evidence is currently insufficient to determine the role of this variant in disease. Therefore, it has been classified as a Variant of Uncertain Significance. Nucleotide substitutions within the consensus splice site are a relatively common cause of aberrant splicing (PMID: 17576681, 9536098). Algorithms developed to predict the effect of sequence changes on RNA splicing suggest that this variant may disrupt the consensus splice site, but this prediction has not been confirmed by published transcriptional studies. This variant has not been reported in the literature in individuals with RYR3-related conditions. This variant is not present in population databases (ExAC no frequency). This sequence change falls in intron 4 of the RYR3 gene. It does not directly change the encoded amino acid sequence of the RYR3 protein, but it affects a nucleotide within the consensus splice site of the intron.

Literature cited by the submitters: PubMed 17576681; PubMed 9536098.